The following is an entry in ClinVar:

ClinVar aggregate classification (germline): Uncertain significance (1 of 4 stars; one submission).

Conditions:
Neurodevelopmental disorder with speech impairment and with or without seizures. Also called: Neurodevelopmental disorder with variable intellectual disability and speech impairment, with or without seizures. Identifiers: MedGen C5774252, MONDO:0859313, OMIM 620114.

gnomAD v4.1: 8 of 1,613,592 alleles (0.0005%); highest among the groups gnomAD compares: East Asian, 0.011%; no homozygotes.

Submission:

Juno Genomics, Hangzhou Juno Genomics, Inc
Classification: Uncertain significance for Neurodevelopmental disorder with speech impairment and with or without seizures. Review status: criteria provided, single submitter. Criteria: ACMG Guidelines, 2015. Collection method: clinical testing. Allele origin: germline.
Comment: Absent from controls (or at extremely low frequency if recessive) in Genome Aggregation Database.;Missense variant in a gene that has a low rate of benign missense variation.

NM_021096.4(CACNA1I):c.1941G>C (p.Met647Ile)

Gene: CACNA1I (calcium voltage-gated channel subunit alpha1 I; plus strand). Cytogenetic location: 22q13.1.
Variant type: single nucleotide variant.
Coding change: c.1941G>C on transcript NM_021096.4 (MANE Select); coding-DNA position 1941, G replaced by C.
Protein change: p.Met647Ile; replaces methionine 647 with isoleucine.
Molecular consequence: missense variant.
Genome position (GRCh38, 1-based): chr22:39,649,874, G>C. VCF-style: chr22-39649874-G-C. GRCh37 (hg19) VCF-style: chr22-40045879-G-C.
Other names: c.1836G>C, p.Met612Ile (NM_001003406.2); short protein forms M612I, M647I.
Identifiers: ClinVar variation 5006494 (VCV005006494.2).